The following is an entry in ClinVar:

ClinVar aggregate classification (germline): Uncertain significance (1 of 4 stars; one submission).

Submission:

GeneDx
Classification: Uncertain significance. Last evaluated: 2022-09-27. Review status: criteria provided, single submitter. Criteria: GeneDx Variant Classification Process June 2021. Collection method: clinical testing. Allele origin: germline. Affected: yes.
Comment: Not observed at significant frequency in large population cohorts (gnomAD); In silico analysis supports that this missense variant has a deleterious effect on protein structure/function; Has not been previously published as pathogenic or benign to our knowledge; This variant is associated with the following publications: (PMID: 19926015)

NM_001035.3(RYR2):c.8939T>C (p.Leu2980Ser)

Gene: RYR2 (ryanodine receptor 2; plus strand). Cytogenetic location: 1q43.
Variant type: single nucleotide variant.
Coding change: c.8939T>C on transcript NM_001035.3 (MANE Select); coding-DNA position 8939, T replaced by C.
Protein change: p.Leu2980Ser; replaces leucine 2980 with serine.
Molecular consequence: missense variant.
Genome position (GRCh38, 1-based): chr1:237,680,499, T>C. VCF-style: chr1-237680499-T-C. GRCh37 (hg19) VCF-style: chr1-237843799-T-C.
Other names: short protein forms L2980S.
Identifiers: ClinVar variation 2446343 (VCV002446343.1), dbSNP rs2547249299, ClinGen allele CA076607.